The following is an entry in ClinVar:

NM_016034.5(MRPS2):c.495C>T (p.Tyr165=)

Genes: MRPS2 (mitochondrial ribosomal protein S2; plus strand), LOC101928525 (uncharacterized LOC101928525; minus strand). Cytogenetic location: 9q34.3.
Variant type: single nucleotide variant.
Coding change: c.495C>T on transcript NM_016034.5 (MANE Select); coding-DNA position 495, C replaced by T.
Protein change: p.Tyr165=; no amino-acid change (tyrosine 165 retained).
Molecular consequence: synonymous variant. On other transcripts: non-coding transcript variant (4).
Genome position (GRCh38, 1-based): chr9:135,503,737, C>T. VCF-style: chr9-135503737-C-T. GRCh37 (hg19) VCF-style: chr9-138395583-C-T.
Other names: c.495C>T, p.Tyr165= (NM_001371401.1).
Identifiers: ClinVar variation 3045063 (VCV003045063.2), dbSNP rs373408410, ClinGen allele CA5323960.
Genomic context (GRCh38, chr9:135,503,737, plus strand): 5'-AAGCCGCAACCGGCAGTTCTCGTACCTGATTGAGAACATGGCCCGTGACTGTGGCGAGTA[C>T]GCCCACACTCGCTACTTCAGGGGCGGCATGCTGACCAACGCGCGCCTCCTCTTTGGCCCC-3'
Protein context (NP_057118.1, residues 155-175): IENMARDCGE[Tyr165=]AHTRYFRGGM

ClinVar aggregate classification (germline): Likely benign (0 of 4 stars; one submission).

Conditions:
MRPS2-related disorder. Also called: MRPS2-related condition.

Allele frequency attached by ClinVar (database versions not stated): TOPMed below 0.00001; ExAC 0.00001; gnomAD exomes 0.00002; ESP Exome Variant Server 0.00008.
gnomAD v4.1: 25 of 1,613,138 alleles (0.0015%); highest among the groups gnomAD compares: East Asian, 0.0022%; no homozygotes.

Submission:

PreventionGenetics, part of Exact Sciences
Classification: Likely benign for MRPS2-related condition. Last evaluated: 2019-10-03. Review status: no assertion criteria provided. Collection method: clinical testing. Allele origin: germline.
Comment: This variant is classified as likely benign based on ACMG/AMP sequence variant interpretation guidelines (Richards et al. 2015 PMID: 25741868, with internal and published modifications).